The following is an entry in ClinVar:

NM_002381.5(MATN3):c.784T>C (p.Phe262Leu)

Gene: MATN3 (matrilin 3; minus strand). Cytogenetic location: 2p24.1.
Variant type: single nucleotide variant.
Coding change: c.784T>C on transcript NM_002381.5 (MANE Select); coding-DNA position 784, T replaced by C.
Protein change: p.Phe262Leu; replaces phenylalanine 262 with leucine.
Molecular consequence: missense variant.
Genome position (GRCh38, 1-based): chr2:20,005,750, A>G on the plus strand (T>C on the coding strand, the complement: MATN3 is on the minus strand). VCF-style: chr2-20005750-A-G. GRCh37 (hg19) VCF-style: chr2-20205511-A-G.
Other names: short protein forms F262L.
Identifiers: ClinVar variation 2889608 (VCV002889608.3), dbSNP rs1673087803, ClinGen allele CA345950364.

ClinVar aggregate classification (germline): Uncertain significance (1 of 4 stars; one submission).

Allele frequency attached by ClinVar (database versions not stated): TOPMed 0.00001.
gnomAD v4.1: 1 of 1,595,768 alleles (0.000063%); highest among the groups gnomAD compares: Non-Finnish European, 0.000086%; no homozygotes.

Submission:

Labcorp Genetics (formerly Invitae), Labcorp
Classification: Uncertain significance. Last evaluated: 2023-06-14. Review status: criteria provided, single submitter. Criteria: Invitae Variant Classification Sherloc (09022015). Collection method: clinical testing. Allele origin: germline.
Comment: In summary, the available evidence is currently insufficient to determine the role of this variant in disease. Therefore, it has been classified as a Variant of Uncertain Significance. Advanced modeling of protein sequence and biophysical properties (such as structural, functional, and spatial information, amino acid conservation, physicochemical variation, residue mobility, and thermodynamic stability) performed at Invitae indicates that this missense variant is not expected to disrupt MATN3 protein function. This variant has not been reported in the literature in individuals affected with MATN3-related conditions. This variant is not present in population databases (gnomAD no frequency). This sequence change replaces phenylalanine, which is neutral and non-polar, with leucine, which is neutral and non-polar, at codon 262 of the MATN3 protein (p.Phe262Leu).